The following is an entry in ClinVar:

ClinVar aggregate classification (germline): Pathogenic (1 of 4 stars; one submission).

Conditions:
Combined deficiency of sialidase AND beta galactosidase (GSL). Also called: Galactosialidosis; CATHEPSIN A DEFICIENCY; GOLDBERG SYNDROME; NEURAMINIDASE DEFICIENCY WITH BETA-GALACTOSIDASE DEFICIENCY; NEURAMINIDASE/BETA-GALACTOSIDASE EXPRESSION; PPCA DEFICIENCY. Identifiers: Orphanet 351, MedGen C0268233, MONDO:0009737, OMIM 256540.

Allele frequency attached by ClinVar (database versions not stated): TOPMed 0.00001.

Submission:

Labcorp Genetics (formerly Invitae), Labcorp
Classification: Pathogenic for Combined deficiency of sialidase AND beta galactosidase. Last evaluated: 2023-09-15. Review status: criteria provided, single submitter. Criteria: Invitae Variant Classification Sherloc (09022015). Collection method: clinical testing. Allele origin: germline.
Comment: For these reasons, this variant has been classified as Pathogenic. This variant has not been reported in the literature in individuals affected with CTSA-related conditions. This variant is not present in population databases (gnomAD no frequency). This sequence change creates a premature translational stop signal (p.Trp99*) in the CTSA gene. It is expected to result in an absent or disrupted protein product. Loss-of-function variants in CTSA are known to be pathogenic (PMID: 15110321, 23915561).

Literature cited by the submitters: PubMed 15110321; PubMed 23915561.

NM_000308.4(CTSA):c.242G>A (p.Trp81Ter)

Gene: CTSA (cathepsin A; plus strand). Cytogenetic location: 20q13.12.
Variant type: single nucleotide variant.
Coding change: c.242G>A on transcript NM_000308.4 (MANE Select); coding-DNA position 242, G replaced by A.
Protein change: p.Trp81Ter; replaces tryptophan 81 with a stop codon.
Molecular consequence: nonsense. On other transcripts: non-coding transcript variant (1).
Genome position (GRCh38, 1-based): chr20:45,891,963, G>A. VCF-style: chr20-45891963-G-A. GRCh37 (hg19) VCF-style: chr20-44520602-G-A.
Other names: c.242G>A, p.Trp81Ter (NM_001127695.3, NM_001167594.3); short protein forms W81*.
Identifiers: ClinVar variation 2797688 (VCV002797688.3), dbSNP rs1986978766, ClinGen allele CA409248579.